The following is an entry in ClinVar:

ClinVar aggregate classification (germline): Uncertain significance (1 of 4 stars; one submission).

Submission:

Labcorp Genetics (formerly Invitae), Labcorp
Classification: Uncertain significance. Last evaluated: 2025-10-03. Review status: criteria provided, single submitter. Criteria: Invitae Variant Classification Sherloc (09022015). Collection method: clinical testing. Allele origin: germline.
Comment: This sequence change replaces methionine, which is neutral and non-polar, with leucine, which is neutral and non-polar, at codon 554 of the JARID2 protein (p.Met554Leu). This variant is not present in population databases (gnomAD no frequency). This variant has not been reported in the literature in individuals affected with JARID2-related conditions. An algorithm developed to predict the effect of missense changes on protein structure and function (PolyPhen-2) suggests that this variant is likely to be tolerated. In summary, the available evidence is currently insufficient to determine the role of this variant in disease. Therefore, it has been classified as a Variant of Uncertain Significance.

NM_004973.4(JARID2):c.1660A>C (p.Met554Leu)

Gene: JARID2 (jumonji and AT-rich interaction domain containing 2; plus strand). Cytogenetic location: 6p22.3.
Variant type: single nucleotide variant.
Coding change: c.1660A>C on transcript NM_004973.4 (MANE Select); coding-DNA position 1660, A replaced by C.
Protein change: p.Met554Leu; replaces methionine 554 with leucine.
Molecular consequence: missense variant.
Genome position (GRCh38, 1-based): chr6:15,496,885, A>C. VCF-style: chr6-15496885-A-C. GRCh37 (hg19) VCF-style: chr6-15497116-A-C.
Other names: c.1144A>C, p.Met382Leu (NM_001267040.1); short protein forms M382L, M554L.
Identifiers: ClinVar variation 4728449 (VCV004728449.1).